The following is an entry in ClinVar:

ClinVar aggregate classification (germline): Uncertain significance (1 of 4 stars; one submission).

Conditions:
MC3R-related disorder. Also called: MC3R-related condition.

Submission:

PreventionGenetics, part of Exact Sciences
Classification: Uncertain significance for MC3R-related condition. Last evaluated: 2025-10-15. Review status: criteria provided, single submitter. Criteria: ACMG Guidelines, 2015. Collection method: clinical testing. Allele origin: germline.
Comment: The MC3R c.904C>T variant is predicted to result in the amino acid substitution p.Arg302Trp. This variant has been reported in two unrelated individuals with severe early onset obesity  (Serra-Juhé et al. 2019. PubMed ID: 30926952, Table 2). This variant is reported in 0.0058% of alleles in individuals of Latino descent in gnomAD. At this time, the clinical significance of this variant is uncertain due to the absence of conclusive functional and genetic evidence.

NM_019888.3(MC3R):c.904C>T (p.Arg302Trp)

Gene: MC3R (melanocortin 3 receptor; plus strand). Cytogenetic location: 20q13.2.
Variant type: single nucleotide variant.
Coding change: c.904C>T on transcript NM_019888.3 (MANE Select); coding-DNA position 904, C replaced by T.
Protein change: p.Arg302Trp; replaces arginine 302 with tryptophan.
Molecular consequence: missense variant.
Genome position (GRCh38, 1-based): chr20:56,249,747, C>T. VCF-style: chr20-56249747-C-T. GRCh37 (hg19) VCF-style: chr20-54824803-C-T.
Other names: short protein forms R302W.
Identifiers: ClinVar variation 4978426 (VCV004978426.1).
Genomic context (GRCh38, chr20:56,249,747, plus strand): 5'-AACACCTACCTGGTCCTCATCATGTGCAACTCCGTCATCGACCCACTCATCTACGCTTTC[C>T]GGAGCCTGGAATTGCGCAACACCTTTAGGGAGATTCTCTGTGGCTGCAACGGCATGAACT-3'
Protein context (NP_063941.3, residues 292-312): SVIDPLIYAF[Arg302Trp]SLELRNTFRE